The following is an entry in ClinVar:

NM_002906.4(RDX):c.413A>G (p.Asn138Ser)

Gene: RDX (radixin; minus strand). Cytogenetic location: 11q22.3.
Variant type: single nucleotide variant.
Coding change: c.413A>G on transcript NM_002906.4 (MANE Select); coding-DNA position 413, A replaced by G.
Protein change: p.Asn138Ser; replaces asparagine 138 with serine.
Molecular consequence: missense variant. On other transcripts: intron variant (2).
Genome position (GRCh38, 1-based): chr11:110,264,014, T>C on the plus strand (A>G on the coding strand, the complement: RDX is on the minus strand). VCF-style: chr11-110264014-T-C. GRCh37 (hg19) VCF-style: chr11-110134739-T-C.
Other names: c.413A>G, p.Asn138Ser (NM_001260492.2, NM_001260493.2); c.317A>G, p.Asn106Ser (NM_001260496.2); c.-83+15667A>G (NM_001260495.2); c.60-5825A>G (NM_001260494.2); short protein forms N106S, N138S.
Identifiers: ClinVar variation 1806659 (VCV001806659.3), dbSNP rs190296143, ClinGen allele CA6270334.

ClinVar aggregate classification (germline): Uncertain significance. Review status: criteria provided, multiple submitters, no conflicts (2 of 4 stars). 2 submissions from 2 submitters: Uncertain significance (2). Last evaluated 2025-04-24.

Conditions:
Inborn genetic diseases. Identifiers: MedGen C0950123, MeSH D030342.

Allele frequency attached by ClinVar (database versions not stated): TOPMed 0.00003; ExAC 0.00001; gnomAD 0.00002; 1000 Genomes Project 30x 0.00016; 1000 Genomes Project 0.00020.
gnomAD v4.1: 11 of 1,613,840 alleles (0.00068%); highest among the groups gnomAD compares: Admixed American, 0.005%; no homozygotes.

Submissions (2):

Ambry Genetics
Classification: Uncertain significance for Inborn genetic diseases. Last evaluated: 2025-04-24. Review status: criteria provided, single submitter. Criteria: Ambry Variant Classification Scheme 2023. Collection method: clinical testing. Allele origin: germline.

GeneDx
Classification: Uncertain significance. Last evaluated: 2023-01-24. Review status: criteria provided, single submitter. Criteria: GeneDx Variant Classification Process June 2021. Collection method: clinical testing. Allele origin: germline. Affected: yes.
Comment: Not observed at significant frequency in large population cohorts (gnomAD); In silico analysis supports that this missense variant has a deleterious effect on protein structure/function; Has not been previously published as pathogenic or benign to our knowledge